The following is an entry in ClinVar:

ClinVar aggregate classification (germline): Likely benign (1 of 4 stars; one submission).

gnomAD v4.1: 2 of 1,613,852 alleles (0.00012%); highest among the groups gnomAD compares: Non-Finnish European, 0.000085%; no homozygotes.

Submission:

CeGaT Center for Human Genetics Tuebingen
Classification: Likely benign. Last evaluated: 2024-09-01. Review status: criteria provided, single submitter. Criteria: CeGaT Center For Human Genetics Tuebingen Variant Classification Criteria Version 2. Collection method: clinical testing. Allele origin: germline. Affected: yes. Observed: 1 variant allele.
Comment: ASXL3: BP4, BP7

NM_030632.3(ASXL3):c.2397C>T (p.Ser799=)

Gene: ASXL3 (ASXL transcriptional regulator 3; plus strand). Cytogenetic location: 18q12.1.
Variant type: single nucleotide variant.
Coding change: c.2397C>T on transcript NM_030632.3 (MANE Select); coding-DNA position 2397, C replaced by T.
Protein change: p.Ser799=; no amino-acid change (serine 799 retained).
Molecular consequence: synonymous variant.
Genome position (GRCh38, 1-based): chr18:33,739,801, C>T. VCF-style: chr18-33739801-C-T. GRCh37 (hg19) VCF-style: chr18-31319765-C-T.
Identifiers: ClinVar variation 3389572 (VCV003389572.14).